The following is an entry in ClinVar:

ClinVar aggregate classification (germline): Uncertain significance. Review status: criteria provided, multiple submitters, no conflicts (2 of 4 stars). 5 submissions from 5 submitters: Uncertain significance (5). Last evaluated 2025-11-01.

Conditions:
RYR1-related disorder. Also called: RYR1-related disorders; RYR1-related condition. Identifiers: MedGen CN239331.
Malignant hyperthermia, susceptibility to, 1 (MHS1). Also called: Anesthesia related hyperthermia; Malignant hyperpyrexia; Fulminating hyperpyrexia; Pharmacogenic myopathy; RYR1-Related Malignant Hyperthermia Susceptibility; Malignant hyperthermia suceptibility 1. Identifiers: Orphanet 423, MedGen C2930980, MONDO:0007783, OMIM 145600.

Allele frequency attached by ClinVar (database versions not stated): gnomAD exomes 0.00001; TOPMed 0.00002; gnomAD 0.00003.
gnomAD v4.1: 10 of 1,610,034 alleles (0.00062%); highest among the groups gnomAD compares: Admixed American, 0.0017%; no homozygotes.

Submissions (5):

Labcorp Genetics (formerly Invitae), Labcorp
Classification: Uncertain significance for RYR1-related disorder. Last evaluated: 2025-11-01. Review status: criteria provided, single submitter. Criteria: Invitae Variant Classification Sherloc (09022015). Collection method: clinical testing. Allele origin: germline.
Comment: This sequence change replaces arginine, which is basic and polar, with cysteine, which is neutral and slightly polar, at codon 274 of the RYR1 protein (p.Arg274Cys). This variant is present in population databases (rs770370125, gnomAD 0.009%). This missense change has been observed in individual(s) with malignant hyperthermia and/or RYR1-related conditions (PMID: 31559918, 32236737). ClinVar contains an entry for this variant (Variation ID: 590608). Invitae Evidence Modeling of protein sequence and biophysical properties (such as structural, functional, and spatial information, amino acid conservation, physicochemical variation, residue mobility, and thermodynamic stability) has been performed for this missense variant. However, the output from this modeling did not meet the statistical confidence thresholds required to predict the impact of this variant on RYR1 protein function. In summary, the available evidence is currently insufficient to determine the role of this variant in disease. Therefore, it has been classified as a Variant of Uncertain Significance.

Color Diagnostics, LLC DBA Color Health
Classification: Uncertain significance for Malignant hyperthermia, susceptibility to, 1. Last evaluated: 2025-08-05. Review status: criteria provided, single submitter. Criteria: ACMG Guidelines, 2015. Collection method: clinical testing. Allele origin: germline.
Comment: This missense variant replaces arginine with cysteine at codon 274 of the RYR1 protein. Computational prediction is inconclusive regarding the impact of this variant on protein structure and function. To our knowledge, functional studies have not been reported for this variant. This variant has been reported in an individual with abnormal results in caffeine-halothane contracture test, who also carried unspecified, additional variants in other genes associated with malignant hyperthermia susceptibility (PMID: 31559918). This variant has been identified in 4/278230 chromosomes in the general population by the Genome Aggregation Database (gnomAD). The available evidence is insufficient to determine the role of this variant in disease conclusively. Therefore, this variant is classified as a Variant of Uncertain Significance.

All of Us Research Program, National Institutes of Health
Classification: Uncertain significance for Malignant hyperthermia, susceptibility to, 1. Last evaluated: 2023-02-10. Review status: criteria provided, single submitter. Criteria: ACMG Guidelines, 2015. Collection method: clinical testing. Allele origin: germline. Inheritance: Autosomal dominant inheritance. Observed: 1 variant allele, 1 heterozygote.
Comment: This study involves interpretation of variants in research participants for the purpose of population health screening. Participant phenotype was not available at the time of variant classification. Additional details can be found in publication PMID: 35346344, PMCID: PMC8962531

Revvity Omics, Revvity
Classification: Uncertain significance. Last evaluated: 2019-08-13. Review status: criteria provided, single submitter. Criteria: ACMG Guidelines, 2015. Collection method: clinical testing. Allele origin: germline.

PreventionGenetics, part of Exact Sciences
Classification: Uncertain significance. Last evaluated: 2017-10-20. Review status: criteria provided, single submitter. Criteria: ACMG Guidelines, 2015. Collection method: clinical testing. Allele origin: germline.

Literature cited by the submitters: PubMed 31559918 (cited by Labcorp Genetics (formerly Invitae), Labcorp and Color Diagnostics, LLC DBA Color Health); PubMed 32236737 (cited by Labcorp Genetics (formerly Invitae), Labcorp).

NM_000540.3(RYR1):c.820C>T (p.Arg274Cys)

Gene: RYR1 (ryanodine receptor 1; plus strand). Cytogenetic location: 19q13.2.
Variant type: single nucleotide variant.
Coding change: c.820C>T on transcript NM_000540.3 (MANE Select); coding-DNA position 820, C replaced by T.
Protein change: p.Arg274Cys; replaces arginine 274 with cysteine.
Molecular consequence: missense variant.
Genome position (GRCh38, 1-based): chr19:38,448,374, C>T. VCF-style: chr19-38448374-C-T. GRCh37 (hg19) VCF-style: chr19-38939014-C-T.
Other names: c.820C>T, p.Arg274Cys (NM_001042723.2); short protein forms R274C.
Identifiers: ClinVar variation 590608 (VCV000590608.15), dbSNP rs770370125, ClinGen allele CA071638.